The following is an entry in ClinVar:

ClinVar aggregate classification (germline): Pathogenic (3 of 4 stars; one submission).

Conditions:
Glanzmann thrombasthenia. Also called: BLEEDING DISORDER, PLATELET-TYPE, 2; THROMBASTHENIA OF GLANZMANN AND NAEGELI; Thrombasthenia; PLATELET GLYCOPROTEIN IIb-IIIa DEFICIENCY; Glanzmann's thrombasthenia. Identifiers: Orphanet 849, MedGen C0040015, MONDO:0100326.

Submission:

ClinGen Platelet Disorders Variant Curation Expert Panel, ClinGen
Classification: Pathogenic for Glanzmann thrombasthenia. Last evaluated: 2023-01-17. Review status: reviewed by expert panel. Criteria: ClinGen Platelet ACMG Specifications v2-1. Collection method: curation. Allele origin: germline. Inheritance: Autosomal recessive inheritance.
Comment: The c.602del (p.Asn201ThrfsTer6) variant in exon 4 is a nonsense variant predicted to cause a premature stop codon in biologically-relevant-exon 5 and is predicted to lead to nonsense mediated decay in a gene in which loss-of-function is an established disease mechanism (PVS1). At least one patient (Patient GTa in PMID:11722423) with this variant displayed mucocutaneous bleeding and impaired aggregation with all agonists except ristocetin, which is highly specific for Glanzmann thrombasthenia (PP4_moderate). This individuals was compound heterozygous for this variant (reported by the authors as "a deletion at the 3' end of exon 3 resulting in a premature stop codon," but confirmed as c.602del from entry 57 in the GT database) and a likely pathogenic variant (NM_000212.3:c.655G>A (p.Val219Met)). This variant is also absent from gnomAD v2.1.1 (PM2_Supporting). In summary, this variant meets the criteria to be classified as Pathogenic for autosomal recessive Glanzmann Thrombasthenia based on the ACMG/AMP criteria applied, as specified by the ClinGen PD VCEP: PVS1, PP4_Moderate, and PM2_Supporting (VCEP specifications version 2.1).

NM_000212.3(ITGB3):c.602del (p.Asn201fs)

Gene: ITGB3 (integrin subunit beta 3; plus strand). Cytogenetic location: 17q21.32.
Variant type: Deletion.
Coding change: c.602del on transcript NM_000212.3 (MANE Select); coding-DNA position 602, one base deleted (A; older notation c.602delA).
Protein change: p.Asn201fs; shifts the reading frame from asparagine 201.
Molecular consequence: frameshift variant.
Genome position (GRCh38, 1-based): chr17:47,284,683, A deleted; the last of 4 consecutive A bases (chr17:47,284,680-47,284,683); deleting any one gives the same sequence. VCF-style (leftmost placement, unchanged base first): chr17-47284679-GA-G. GRCh37 (hg19) VCF-style: chr17-45362045-GA-G.
Other names: NM_000212.3:c.602del; short protein forms N201fs.
Identifiers: ClinVar variation 2498373 (VCV002498373.2), dbSNP rs780043425, ClinGen allele CA8622991.